The following is an entry in ClinVar:

NM_003238.6(TGFB2):c.576_577del (p.Arg193fs)

Gene: TGFB2 (transforming growth factor beta 2; plus strand). Cytogenetic location: 1q41.
Variant type: Deletion.
Coding change: c.576_577del on transcript NM_003238.6 (MANE Select); coding-DNA positions 576 to 577, 2 bases deleted (AA; older notation c.576_577delAA).
Protein change: p.Arg193fs; shifts the reading frame from arginine 193.
Molecular consequence: frameshift variant. On other transcripts: non-coding transcript variant (2).
Genome position (GRCh38, 1-based): chr1:218,434,147-218,434,148, AA deleted. VCF-style (leftmost placement, unchanged base first): chr1-218434146-CAA-C. GRCh37 (hg19) VCF-style: chr1-218607488-CAA-C.
Other names: c.576_577delAA (NM_003238.3); c.660_661del, p.Arg221fs (NM_001135599.4); short protein forms R193fs, R221fs.
Identifiers: ClinVar variation 423134 (VCV000423134.15), dbSNP rs1064796256, ClinGen allele CA16617063.

ClinVar aggregate classification (germline): Pathogenic/Likely pathogenic. Review status: criteria provided, multiple submitters, no conflicts (2 of 4 stars). 4 submissions from 4 submitters: Pathogenic (3); Likely pathogenic (1). Last evaluated 2026-01-09.

Conditions:
Loeys-Dietz syndrome 4 (LDS4). Also called: TGFB2-Related Loeys-Dietz Syndrome; ANEURYSM, AORTIC AND CEREBRAL, WITH ARTERIAL TORTUOSITY AND SKELETAL MANIFESTATIONS. Identifiers: MedGen C3553762, MONDO:0013897, OMIM 614816.
Familial thoracic aortic aneurysm and aortic dissection (TAAD). Also called: Thoracic aortic aneurysms and dissections. Identifiers: Orphanet 91387, MedGen C4707243, MONDO:0019625.

Submissions (4):

Labcorp Genetics (formerly Invitae), Labcorp
Classification: Pathogenic for Loeys-Dietz syndrome 4. Last evaluated: 2026-01-09. Review status: criteria provided, single submitter. Criteria: Invitae Variant Classification Sherloc (09022015). Collection method: clinical testing. Allele origin: germline.
Comment: This sequence change creates a premature translational stop signal (p.Arg193Serfs*12) in the TGFB2 gene. It is expected to result in an absent or disrupted protein product. Loss-of-function variants in TGFB2 are known to be pathogenic (PMID: 22772368, 22772371, 30739908). This variant is not present in population databases (gnomAD no frequency). This variant has not been reported in the literature in individuals affected with TGFB2-related conditions. ClinVar contains an entry for this variant (Variation ID: 423134). For these reasons, this variant has been classified as Pathogenic.

Variantyx, Inc.
Classification: Likely pathogenic for Loeys-Dietz syndrome 4. Last evaluated: 2025-12-18. Review status: criteria provided, single submitter. Criteria: Variantyx Assertion Criteria 2022. Collection method: clinical testing. Allele origin: germline. Inheritance: Autosomal dominant inheritance. Affected: yes.
Comment: This is a frameshift variant in the TGFB2 gene (OMIM: 190220). Pathogenic variants in this gene have been associated with autosomal dominant Loeys-Dietz syndrome 4. This variant introduces a premature termination codon in exon 3 out of 7 and is expected to result in loss of function, which is a known disease mechanism for TGFB2 in this disorder (PMID: 32307099, 22772371) (PVS1). This variant is absent from control populations (PM2). Based on the current evidence, this variant is classified as likely pathogenic for autosomal dominant Loeys-Dietz syndrome 4.

GeneDx
Classification: Pathogenic. Last evaluated: 2024-12-31. Review status: criteria provided, single submitter. Criteria: GeneDx Variant Classification Process June 2021. Collection method: clinical testing. Allele origin: germline. Affected: yes.
Comment: Frameshift variant predicted to result in protein truncation or nonsense mediated decay in a gene for which loss of function is a known mechanism of disease; Not observed at significant frequency in large population cohorts (gnomAD); Has not been previously published as pathogenic or benign to our knowledge

Ambry Genetics
Classification: Pathogenic for Familial thoracic aortic aneurysm and aortic dissection. Last evaluated: 2016-09-14. Review status: criteria provided, single submitter. Criteria: Ambry Variant Classification Scheme 2023. Collection method: clinical testing. Allele origin: germline.
Comment: The c.576_577delAA pathogenic mutation, located in coding exon 3 of the TGFB2 gene, results from a deletion of two nucleotides at nucleotide positions 576 to 577, causing a translational frameshift with a predicted alternate stop codon (p.R193Sfs*12). This alteration is expected to result in loss of function by premature protein truncation or nonsense-mediated mRNA decay. As such, this alteration is interpreted as a disease-causing mutation.

Literature cited by the submitters: PubMed 22772368 (cited by Labcorp Genetics (formerly Invitae), Labcorp); PubMed 22772371 (cited by Labcorp Genetics (formerly Invitae), Labcorp and Variantyx, Inc.); PubMed 30739908 (cited by Labcorp Genetics (formerly Invitae), Labcorp); PubMed 32307099 (cited by Variantyx, Inc.).